The following is an entry in ClinVar:

ClinVar aggregate classification (germline): Pathogenic (1 of 4 stars; one submission).

Conditions:
Neuromuscular disease caused by qualitative or quantitative defects of dysferlin. Also called: Qualitative or quantitative defects of dysferlin; Dysferlinopathy. Identifiers: Orphanet 207073, MedGen C2931687, MONDO:0016145.

Submission:

Labcorp Genetics (formerly Invitae), Labcorp
Classification: Pathogenic for Neuromuscular disease caused by qualitative or quantitative defects of dysferlin. Last evaluated: 2021-03-09. Review status: criteria provided, single submitter. Criteria: Invitae Variant Classification Sherloc (09022015). Collection method: clinical testing. Allele origin: germline.
Comment: This sequence change creates a premature translational stop signal (p.Val1456Thrfs*31) in the DYSF gene. It is expected to result in an absent or disrupted protein product. Loss-of-function variants in DYSF are known to be pathogenic (PMID: 17698709, 20301480). For these reasons, this variant has been classified as Pathogenic. This variant has not been reported in the literature in individuals with DYSF-related conditions. ClinVar contains an entry for this variant (Variation ID: 644959). This variant is not present in population databases (ExAC no frequency).

Literature cited by the submitters: PubMed 17698709; PubMed 20301480.

NM_001130987.2(DYSF):c.4418_4419dup (p.Val1474fs)

Gene: DYSF (dysferlin; plus strand). Cytogenetic location: 2p13.2.
Variant type: Duplication.
Coding change: c.4418_4419dup on transcript NM_001130987.2 (MANE Select); coding-DNA positions 4418 to 4419, 2 bases duplicated (AC; older notation c.4418_4419dupAC).
Protein change: p.Val1474fs; shifts the reading frame from valine 1474.
Molecular consequence: frameshift variant.
Genome position (GRCh38, 1-based): chr2:71,613,364-71,613,365, AC duplicated. VCF-style (leftmost placement, unchanged base first): chr2-71613363-G-GAC. GRCh37 (hg19) VCF-style: chr2-71840493-G-GAC.
Other names: c.4367_4368dup, p.Val1457fs (NM_001130455.2, NM_001130983.2); c.4322_4323dup, p.Val1442fs (NM_001130976.2, NM_001130977.2); c.4364_4365dup, p.Val1456fs (NM_001130978.2, NM_003494.4); c.4457_4458dup, p.Val1487fs (NM_001130979.2); c.4415_4416dup, p.Val1473fs (NM_001130980.2, NM_001130981.2); c.4460_4461dup, p.Val1488fs (NM_001130982.2); c.4325_4326dup, p.Val1443fs (NM_001130984.2, NM_001130986.2); c.4418_4419dup, p.Val1474fs (NM_001130985.2); short protein forms V1487fs, V1488fs, V1457fs, V1474fs, V1442fs, V1456fs, V1443fs, V1473fs.
Identifiers: ClinVar variation 644959 (VCV000644959.6), dbSNP rs1574354166, ClinGen allele CA915944064.